The following is an entry in ClinVar:

ClinVar aggregate classification (germline): Uncertain significance (1 of 4 stars; one submission).

Submission:

Labcorp Genetics (formerly Invitae), Labcorp
Classification: Uncertain significance. Last evaluated: 2025-02-17. Review status: criteria provided, single submitter. Criteria: Invitae Variant Classification Sherloc (09022015). Collection method: clinical testing. Allele origin: germline.
Comment: This sequence change replaces leucine, which is neutral and non-polar, with isoleucine, which is neutral and non-polar, at codon 261 of the RFWD3 protein (p.Leu261Ile). Information on the frequency of this variant in the gnomAD database is not available, as this variant may be reported differently in the database. This variant has not been reported in the literature in individuals affected with RFWD3-related conditions. Experimental studies and prediction algorithms are not available or were not evaluated, and the functional significance of this variant is currently unknown. In summary, the available evidence is currently insufficient to determine the role of this variant in disease. Therefore, it has been classified as a Variant of Uncertain Significance.

NM_018124.4(RFWD3):c.780_781delinsAA (p.Leu261Ile)

Gene: RFWD3 (ring finger and WD repeat domain 3; minus strand). Cytogenetic location: 16q23.1.
Variant type: Indel.
Coding change: c.780_781delinsAA on transcript NM_018124.4 (MANE Select); coding-DNA positions 780 to 781, CC replaced by AA.
Protein change: p.Leu261Ile; replaces leucine 261 with isoleucine.
Molecular consequence: missense variant. On other transcripts: 5 prime UTR variant (3), intron variant (2).
Genome position (GRCh38, 1-based): chr16:74,649,143-74,649,144, GG replaced by TT on the plus strand (CC replaced by AA on the coding strand, the reverse complement: RFWD3 is on the minus strand). VCF-style: chr16-74649143-GG-TT. GRCh37 (hg19) VCF-style: chr16-74683041-GG-TT.
Other names: c.780_781delinsAA, p.Leu261Ile (NM_001370534.1, NM_001370535.1, NM_001370536.1); c.-229_-228delinsAA (NM_001370537.1); c.-55_-54delinsAA (NM_001370539.1, NM_001370540.1); c.-43+2776_-43+2777delinsAA (NM_001370543.1); c.-164-66_-164-65delinsAA (NM_001370542.1); short protein forms L261I.
Identifiers: ClinVar variation 3724012 (VCV003724012.2).